The following is an entry in ClinVar:

ClinVar aggregate classification (germline): Pathogenic (1 of 4 stars; one submission).

Conditions:
Ehlers-Danlos syndrome, classic type, 1 (EDSCL1). Also called: EHLERS-DANLOS SYNDROME, GRAVIS TYPE; EHLERS-DANLOS SYNDROME, SEVERE CLASSIC TYPE; Ehlers-Danlos syndrome, type 1; Ehlers-Danlos Syndrome, Classic Type, COL5A1-Related; EDS I. Identifiers: MedGen C0268335, MONDO:0019567, OMIM 130000.
Osteogenesis imperfecta type I (OI1). Also called: OI, TYPE I; OSTEOGENESIS IMPERFECTA TARDA; OSTEOGENESIS IMPERFECTA WITH BLUE SCLERAE; Osteogenesis imperfecta type 1; Lobstein's Disease; Lobstein disease. Identifiers: Orphanet 216796, Orphanet 666, MedGen C0023931, MONDO:0008146, OMIM 166200. Disease mechanism: loss of function.

Allele frequency attached by ClinVar (database versions not stated): TOPMed below 0.00001.

Submission:

Labcorp Genetics (formerly Invitae), Labcorp
Classification: Pathogenic for Osteogenesis imperfecta type I; Ehlers-Danlos syndrome, classic type, 1. Last evaluated: 2025-09-04. Review status: criteria provided, single submitter. Criteria: Invitae Variant Classification Sherloc (09022015). Collection method: clinical testing. Allele origin: germline.
Comment: This sequence change creates a premature translational stop signal (p.Arg152*) in the COL1A2 gene. It is expected to result in an absent or disrupted protein product. Loss-of-function variants in COL1A2 are known to be pathogenic (PMID: 11288717, 15077201). This variant is not present in population databases (gnomAD no frequency). This variant has not been reported in the literature in individuals affected with COL1A2-related conditions. ClinVar contains an entry for this variant (Variation ID: 1451204). For these reasons, this variant has been classified as Pathogenic.

Literature cited by the submitters: PubMed 11288717; PubMed 15077201.

NM_000089.4(COL1A2):c.454C>T (p.Arg152Ter)

Gene: COL1A2 (collagen type I alpha 2 chain; plus strand). Cytogenetic location: 7q21.3.
Variant type: single nucleotide variant.
Coding change: c.454C>T on transcript NM_000089.4 (MANE Select); coding-DNA position 454, C replaced by T.
Protein change: p.Arg152Ter; replaces arginine 152 with a stop codon.
Molecular consequence: nonsense.
Genome position (GRCh38, 1-based): chr7:94,405,220, C>T. VCF-style: chr7-94405220-C-T. GRCh37 (hg19) VCF-style: chr7-94034532-C-T.
Other names: short protein forms R152*.
Identifiers: ClinVar variation 1451204 (VCV001451204.6), dbSNP rs1791771616, ClinGen allele CA368219804.